The following is an entry in ClinVar:

NM_000257.4(MYH7):c.872C>T (p.Ser291Phe)

Gene: MYH7 (myosin heavy chain 7; minus strand). Cytogenetic location: 14q11.2.
Variant type: single nucleotide variant.
Coding change: c.872C>T on transcript NM_000257.4 (MANE Select); coding-DNA position 872, C replaced by T.
Protein change: p.Ser291Phe; replaces serine 291 with phenylalanine.
Molecular consequence: missense variant.
Genome position (GRCh38, 1-based): chr14:23,430,924, G>A on the plus strand (C>T on the coding strand, the complement: MYH7 is on the minus strand). VCF-style: chr14-23430924-G-A. GRCh37 (hg19) VCF-style: chr14-23900133-G-A.
Other names: short protein forms S291F.
Identifiers: ClinVar variation 43110 (VCV000043110.16), dbSNP rs397516272, ClinGen allele CA016918.
Genomic context (GRCh38, chr14:23,430,924, plus strand): 5'-TGGAGATAGTTGGTCTCAGTCGGTGGCTCTGACTCACCCAGCAGCTCAGGCTTTTTGTTA[G>A]ACAGGATTTGGTAGAAAATGTGATAATCTCTCTCTGCTTTCAGCTGGAAAATAACTCTGG-3'
Protein context (NP_000248.2, residues 281-301): RDYHIFYQIL[Ser291Phe]NKKPELLDML

ClinVar aggregate classification (germline): Conflicting classifications of pathogenicity. Review status: criteria provided, conflicting classifications (1 of 4 stars). 4 submissions from 4 submitters: Pathogenic (1); Likely pathogenic (2); Uncertain significance (1). Last evaluated 2026-05-27.

Conditions:
Cardiovascular phenotype. Identifiers: MedGen CN230736.
Hypertrophic cardiomyopathy 1 (CMH1). Also called: Familial hypertrophic cardiomyopathy 1; MYH7-Related Familial Hypertrophic Cardiomyopathy. Identifiers: MedGen C3495498, MONDO:0008647, OMIM 192600.
Hypertrophic cardiomyopathy. Also called: HYPERTROPHIC MYOCARDIOPATHY. Identifiers: Orphanet 217569, MedGen C0007194, MeSH D002312, MONDO:0005045, HP:0001639.

Allele frequency attached by ClinVar (database versions not stated): gnomAD exomes below 0.00001.
gnomAD v4.1: 1 of 1,613,838 alleles (0.000062%); highest among the groups gnomAD compares: Non-Finnish European, 0.000085%; no homozygotes.

Submissions (4):

Ambry Genetics
Classification: Likely pathogenic for Cardiovascular phenotype. Last evaluated: 2026-05-27. Review status: criteria provided, single submitter. Criteria: Ambry Variant Classification Scheme 2023. Collection method: clinical testing. Allele origin: germline.
Comment: The p.S291F variant (also known as c.872C>T), located in coding exon 8 of the MYH7 gene, results from a C to T substitution at nucleotide position 872. The serine at codon 291 is replaced by phenylalanine, an amino acid with highly dissimilar properties. This variant was reported in individual(s) with features consistent with hypertrophic cardiomyopathy (HCM); in at least one individual, it was determined to be de novo (Lakdawala NK et al. Am J Cardiol, 2011 Dec;108:1606-13; Marsiglia JD et al. Am Heart J, 2013 Oct;166:775-82; Homburger JR et al. Proc Natl Acad Sci U S A, 2016 Jun;113:6701-6; Alamo L et al. Elife, 2017 Jun;6:[ePub ahead of print]; Walsh R et al. Genet Med, 2017 Feb;19:192-203; Ambry internal data; external communication). This amino acid position is highly conserved in available vertebrate species. In addition, this alteration is predicted to be deleterious by in silico analysis. This variant is considered to be rare based on population cohorts in the Genome Aggregation Database (gnomAD). Based on the majority of available evidence to date, this variant is likely to be pathogenic.

Labcorp Genetics (formerly Invitae), Labcorp
Classification: Pathogenic for Hypertrophic cardiomyopathy. Last evaluated: 2026-01-27. Review status: criteria provided, single submitter. Criteria: Invitae Variant Classification Sherloc (09022015). Collection method: clinical testing. Allele origin: germline.
Comment: This sequence change replaces serine, which is neutral and polar, with phenylalanine, which is neutral and non-polar, at codon 291 of the MYH7 protein (p.Ser291Phe). This variant is not present in population databases (gnomAD no frequency). This missense change has been observed in individual(s) with hypertrophic cardiomyopathy (PMID: 21943931, 24093860, 27247418; internal data). In at least one individual the variant was observed to be de novo. ClinVar contains an entry for this variant (Variation ID: 43110). Invitae Evidence Modeling of protein sequence and biophysical properties (such as structural, functional, and spatial information, amino acid conservation, physicochemical variation, residue mobility, and thermodynamic stability) indicates that this missense variant is expected to disrupt MYH7 protein function with a positive predictive value of 95%. For these reasons, this variant has been classified as Pathogenic.

Laboratory for Molecular Medicine, Mass General Brigham Personalized Medicine
Classification: Uncertain significance. Last evaluated: 2018-07-10. Review status: criteria provided, single submitter. Criteria: LMM Criteria. Collection method: clinical testing. Allele origin: germline. Observed: 5 variant alleles.
Comment: Variant classified as Uncertain Significance - Favor Pathogenic. The p.Ser291Phe variant in MYH7 has been identified by our laboratory in 2 individuals with HCM . This variant was absent from large population studies. Computational prediction tools and conservation analysis suggest that the p.Ser2 91Phe variant may impact the protein, though this information is not predictive enough to determine pathogenicity. Additionally, this variant lies in the head r egion of the protein. Missense variants in this region have been reported and st atistically indicated to be more likely to cause disease (Walsh 2016). In summar y, while there is some suspicion for a pathogenic role, the clinical significanc e of the p.Ser291Phe variant is uncertain. ACMG/AMP Criteria applied: PM1; PM2; PP3.

Laboratory of Genetics and Molecular Cardiology, University of São Paulo
Classification: Likely pathogenic for Hypertrophic cardiomyopathy 1. Review status: criteria provided, single submitter. Criteria: LGCM Criteria August 2015. Collection method: clinical testing. Allele origin: germline. Inheritance: Autosomal dominant inheritance. Affected: yes. Observed: 1 variant allele. Study: Sarcomeric Human Cardiomyopathy Registry (ShaRe).

Literature cited by the submitters: PubMed 21943931 (cited by 3 submitters); PubMed 24093860 (cited by Ambry Genetics and Labcorp Genetics (formerly Invitae), Labcorp); PubMed 27247418 (cited by Ambry Genetics and Labcorp Genetics (formerly Invitae), Labcorp); PubMed 27532257 (cited by Ambry Genetics and Laboratory for Molecular Medicine, Mass General Brigham Personalized Medicine); PubMed 28606303 (cited by Ambry Genetics).